The following is an entry in ClinVar:

NM_003242.6(TGFBR2):c.291A>G (p.Leu97=)

Gene: TGFBR2 (transforming growth factor beta receptor 2; plus strand). Cytogenetic location: 3p24.1.
Variant type: single nucleotide variant.
Coding change: c.291A>G on transcript NM_003242.6 (MANE Select); coding-DNA position 291, A replaced by G.
Protein change: p.Leu97=; no amino-acid change (leucine 97 retained).
Molecular consequence: synonymous variant. On other transcripts: intron variant (2).
Genome position (GRCh38, 1-based): chr3:30,650,297, A>G. VCF-style: chr3-30650297-A-G. GRCh37 (hg19) VCF-style: chr3-30691789-A-G.
Other names: c.366A>G, p.Leu122= (NM_001024847.3, NM_001407126.1, NM_001407139.1); c.291A>G, p.Leu97= (NM_001407127.1, NM_001407130.1); c.318A>G, p.Leu106= (NM_001407128.1); c.186A>G, p.Leu62= (NM_001407129.1, NM_001407132.1, NM_001407133.1 and 3 more transcripts); c.170-21341A>G (NM_001407137.1); c.95-21341A>G (NM_001407138.1).
Identifiers: ClinVar variation 926495 (VCV000926495.9), dbSNP rs374201843, ClinGen allele CA71503197.

ClinVar aggregate classification (germline): Likely benign. Review status: criteria provided, multiple submitters, no conflicts (2 of 4 stars). 5 submissions from 5 submitters: Likely benign (5). Last evaluated 2025-09-17.

Conditions:
Diabetic retinopathy. Identifiers: MedGen C0011884, MONDO:0005266.
Familial thoracic aortic aneurysm and aortic dissection (TAAD). Also called: Thoracic aortic aneurysms and dissections. Identifiers: Orphanet 91387, MedGen C4707243, MONDO:0019625.

Submissions (5):

Ambry Genetics
Classification: Likely benign for Familial thoracic aortic aneurysm and aortic dissection. Last evaluated: 2025-09-17. Review status: criteria provided, single submitter. Criteria: Ambry Variant Classification Scheme 2023. Collection method: clinical testing. Allele origin: germline.

Labcorp Genetics (formerly Invitae), Labcorp
Classification: Likely benign for Familial thoracic aortic aneurysm and aortic dissection. Last evaluated: 2024-01-16. Review status: criteria provided, single submitter. Criteria: Invitae Variant Classification Sherloc (09022015). Collection method: clinical testing. Allele origin: germline.

Blueprint Genetics
Classification: Likely benign. Last evaluated: 2020-06-17. Review status: criteria provided, single submitter. Criteria: ACMG Guidelines, 2015. Collection method: clinical testing. Allele origin: germline.

Color Diagnostics, LLC DBA Color Health
Classification: Likely benign for Familial thoracic aortic aneurysm and aortic dissection. Last evaluated: 2020-01-28. Review status: criteria provided, single submitter. Criteria: ACMG Guidelines, 2015. Collection method: clinical testing. Allele origin: germline.

Clinical Genomics, Uppaluri K&H Personalized Medicine Clinic
Classification: Likely benign for Diabetic retinopathy. Review status: criteria provided, single submitter. Criteria: K And H Uppaluri Personalized Medicine Clinic Variant Classification And Assertion Criteria Updated V 2. Collection method: research. Allele origin: unknown.
Comment: Potent mutations in TGFBR2 gene encodes the transforming growth factor that have been associated with angiogenesis and diabetic retinopathy. More clinical studies are needed for stronger association. However, more evidence is required to confer the association of this particular variant rs374201843 with diabetic retinopathy.

Literature cited by the submitters: PubMed 30222965 (cited by Clinical Genomics, Uppaluri K&H Personalized Medicine Clinic); PubMed 28162229 (cited by Clinical Genomics, Uppaluri K&H Personalized Medicine Clinic); PubMed 34572573 (cited by Clinical Genomics, Uppaluri K&H Personalized Medicine Clinic).